The following is an entry in ClinVar:

ClinVar aggregate classification (germline): Uncertain significance (1 of 4 stars; one submission).

Conditions:
Progressive sclerosing poliodystrophy (MTDPS4A). Also called: Mitochondrial DNA depletion syndrome 4A (Alpers type); ALPERS PROGRESSIVE INFANTILE POLIODYSTROPHY; NEURONAL DEGENERATION OF CHILDHOOD WITH LIVER DISEASE, PROGRESSIVE; Alpers Syndrome; Mitochondrial DNA Depletion Syndrome 4A; Alpers-Huttenlocher Syndrome (AHS). Identifiers: Orphanet 726, MedGen C0205710, MONDO:0008758, OMIM 203700.

Submission:

Labcorp Genetics (formerly Invitae), Labcorp
Classification: Uncertain significance for Progressive sclerosing poliodystrophy. Last evaluated: 2024-06-26. Review status: criteria provided, single submitter. Criteria: Invitae Variant Classification Sherloc (09022015). Collection method: clinical testing. Allele origin: germline.
Comment: This variant, c.122_127dup, results in the insertion of 2 amino acid(s) of the POLG protein (p.Arg41_Arg42dup), but otherwise preserves the integrity of the reading frame. This variant is not present in population databases (gnomAD no frequency). This variant has not been reported in the literature in individuals affected with POLG-related conditions. ClinVar contains an entry for this variant (Variation ID: 852621). Experimental studies and prediction algorithms are not available or were not evaluated, and the functional significance of this variant is currently unknown. In summary, the available evidence is currently insufficient to determine the role of this variant in disease. Therefore, it has been classified as a Variant of Uncertain Significance.

NM_002693.3(POLG):c.119GGC[5] (p.Arg41_Arg42dup)

Genes: POLGARF (POLG alternative reading frame; minus strand), POLG (DNA polymerase gamma, catalytic subunit; minus strand). Cytogenetic location: 15q26.1.
Variant type: Microsatellite.
Coding change: c.119GGC[5] on transcript NM_002693.3 (MANE Select); five copies in a row of the 3-base unit GGC starting at c.119; the reference has three copies in a row; two copies, 6 bases duplicated.
Protein change: p.Arg41_Arg42dup.
Molecular consequence: inframe insertion.
Genome position (GRCh38, 1-based): chr15:89,333,628-89,333,633, GCCGCC duplicated on the plus strand (GGCGGC on the coding strand, the reverse complement: POLG is on the minus strand); duplicating any 6 consecutive bases within chr15:89,333,628-89,333,638 gives the same sequence; the position shown is the placement nearest the transcript's 3' end. VCF-style (leftmost placement, unchanged base first): chr15-89333627-T-TGCCGCC. GRCh37 (hg19) VCF-style: chr15-89876858-T-TGCCGCC.
Other names: c.119GGC[5], p.Arg41_Arg42dup (NM_001126131.2).
Identifiers: ClinVar variation 852621 (VCV000852621.9), dbSNP rs761080016, ClinGen allele CA916083447.